The following is an entry in ClinVar:

ClinVar aggregate classification (germline): Conflicting classifications of pathogenicity. Review status: criteria provided, conflicting classifications (1 of 4 stars). 2 submissions from 2 submitters: Uncertain significance (1); Likely benign (1). Last evaluated 2023-03-23.

Conditions:
Hereditary breast ovarian cancer syndrome. Also called: Hereditary breast and ovarian cancer syndrome (HBOC); Hereditary breast and ovarian cancer syndrome; Breast and ovarian cancer; Hereditary breast and/or ovarian cancer syndrome; Hereditary breast and ovarian cancer; BRCA1- and BRCA2-Associated Hereditary Breast and Ovarian Cancer. Identifiers: Orphanet 145, MedGen C0677776, MeSH D061325, MONDO:0003582. Disease mechanism: loss of function.
Hereditary cancer-predisposing syndrome. Also called: Neoplastic Syndromes, Hereditary; Hereditary Cancer Syndrome; Hereditary neoplastic syndrome; Tumor predisposition. Identifiers: Orphanet 140162, MedGen C0027672, MeSH D009386, MONDO:0015356.

Submissions (2):

University of Washington Department of Laboratory Medicine, University of Washington
Classification: Likely benign for Hereditary cancer-predisposing syndrome. Last evaluated: 2023-03-23. Review status: criteria provided, single submitter. Criteria: Dines et al. (Genet Med. 2020). Collection method: curation. Allele origin: germline.
Comment: Missense variant in a coldspot region where missense variants are very unlikely to be pathogenic (PMID:31911673).

BRCA2 exon 11 coldspot. Reclassification based on statistical prior probability.

Labcorp Genetics (formerly Invitae), Labcorp
Classification: Uncertain significance for Hereditary breast ovarian cancer syndrome. Last evaluated: 2017-01-26. Review status: criteria provided, single submitter. Criteria: Invitae Variant Classification Sherloc (09022015). Collection method: clinical testing. Allele origin: germline.
Comment: In summary, this variant is a novel missense change with uncertain impact on protein function. It has been classified as a Variant of Uncertain Significance. Algorithms developed to predict the effect of missense changes on protein structure and function do not agree on the potential impact of this missense change (SIFT: "Tolerated"; PolyPhen-2: "Possibly Damaging"; Align-GVGD: "Class C0"). This variant is not present in population databases (ExAC no frequency) and has not been reported in the literature in individuals with a BRCA2-related disease. This sequence change replaces aspartic acid with histidine at codon 1054 of the BRCA2 protein (p.Asp1054His). The aspartic acid residue is weakly conserved and there is a moderate physicochemical difference between aspartic acid and histidine.

NM_000059.4(BRCA2):c.3160G>C (p.Asp1054His)

Gene: BRCA2 (BRCA2 DNA repair associated; plus strand). Cytogenetic location: 13q13.1.
Variant type: single nucleotide variant.
Coding change: c.3160G>C on transcript NM_000059.4 (MANE Select); coding-DNA position 3160, G replaced by C.
Protein change: p.Asp1054His; replaces aspartic acid 1054 with histidine.
Molecular consequence: missense variant.
Genome position (GRCh38, 1-based): chr13:32,337,515, G>C. VCF-style: chr13-32337515-G-C. GRCh37 (hg19) VCF-style: chr13-32911652-G-C.
Other names: short protein forms D1054H.
Identifiers: ClinVar variation 462288 (VCV000462288.10), dbSNP rs1555283071, ClinGen allele CA387775783.